The following is an entry in ClinVar:

ClinVar aggregate classification (germline): Uncertain significance. Review status: criteria provided, multiple submitters, no conflicts (2 of 4 stars). 2 submissions from 2 submitters: Uncertain significance (2). Last evaluated 2025-06-07.

Conditions:
Inborn genetic diseases. Identifiers: MedGen C0950123, MeSH D030342.

gnomAD v4.1: 2 of 1,614,230 alleles (0.00012%); highest among the groups gnomAD compares: African/African-American, 0.0013%; no homozygotes.

Submissions (2):

Ambry Genetics
Classification: Uncertain significance for Inborn genetic diseases. Last evaluated: 2025-06-07. Review status: criteria provided, single submitter. Criteria: Ambry Variant Classification Scheme 2023. Collection method: clinical testing. Allele origin: germline.

Labcorp Genetics (formerly Invitae), Labcorp
Classification: Uncertain significance. Last evaluated: 2025-01-02. Review status: criteria provided, single submitter. Criteria: Invitae Variant Classification Sherloc (09022015). Collection method: clinical testing. Allele origin: germline.
Comment: This sequence change replaces lysine, which is basic and polar, with arginine, which is basic and polar, at codon 420 of the SLC16A1 protein (p.Lys420Arg). This variant is not present in population databases (gnomAD no frequency). This variant has not been reported in the literature in individuals affected with SLC16A1-related conditions. An algorithm developed to predict the effect of missense changes on protein structure and function (PolyPhen-2) suggests that this variant is likely to be tolerated. In summary, the available evidence is currently insufficient to determine the role of this variant in disease. Therefore, it has been classified as a Variant of Uncertain Significance.

NM_003051.4(SLC16A1):c.1259A>G (p.Lys420Arg)

Gene: SLC16A1 (solute carrier family 16 member 1; minus strand). Cytogenetic location: 1p13.2.
Variant type: single nucleotide variant.
Coding change: c.1259A>G on transcript NM_003051.4 (MANE Select); coding-DNA position 1259, A replaced by G.
Protein change: p.Lys420Arg; replaces lysine 420 with arginine.
Molecular consequence: missense variant.
Genome position (GRCh38, 1-based): chr1:112,914,135, T>C on the plus strand (A>G on the coding strand, the complement: SLC16A1 is on the minus strand). VCF-style: chr1-112914135-T-C. GRCh37 (hg19) VCF-style: chr1-113456757-T-C.
Other names: c.1259A>G, p.Lys420Arg (NM_001166496.2); c.1259A>G (NM_003051.3); short protein forms K420R.
Identifiers: ClinVar variation 3696772 (VCV003696772.3).
Genomic context (GRCh38, chr1:112,914,135, plus strand): 5'-CCAATGAAGAGATAGATACCTGAAATAATTAGGACGACGCCACATGCCCAGTATGTGTAT[T>C]TGTAGTCTCCATACATGTCATTGAGCCGACCTAAATATGTAAAACAACACAAACAGTTGT-3'
Protein context (NP_003042.3, residues 410-430): GRLNDMYGDY[Lys420Arg]YTYWACGVVL